The following is an entry in ClinVar:

ClinVar aggregate classification (germline): Likely pathogenic (1 of 4 stars; one submission).

Submission:

CeGaT Center for Human Genetics Tuebingen
Classification: Likely pathogenic. Last evaluated: 2025-10-01. Review status: criteria provided, single submitter. Criteria: CeGaT Center For Human Genetics Tuebingen Variant Classification Criteria Version 2. Collection method: clinical testing. Allele origin: germline. Affected: yes. Observed: 4 variant alleles.
Comment: TTN: PVS1:Strong, PM2

NM_001267550.2(TTN):c.49016_49020del (p.Arg16339fs)

Genes: TTN (titin; minus strand), TTN-AS1 (TTN antisense RNA 1; plus strand), LOC126806426 (BRD4-independent group 4 enhancer GRCh37_chr2:179478848-179480047; plus strand). Cytogenetic location: 2q31.2.
Variant type: Deletion.
Coding change: c.49016_49020del on transcript NM_001267550.2 (MANE Select); coding-DNA positions 49016 to 49020, 5 bases deleted (GGGCC; older notation c.49016_49020delGGGCC).
Protein change: p.Arg16339fs; shifts the reading frame from arginine 16339.
Molecular consequence: frameshift variant. On other transcripts: non-coding transcript variant (1).
Genome position (GRCh38, 1-based): chr2:178,614,494-178,614,498, GGCCC deleted on the plus strand (GGGCC on the coding strand, the reverse complement: TTN is on the minus strand); deleting any 5 consecutive bases within chr2:178,614,494-178,614,502 gives the same sequence; the c. name uses the placement nearest the transcript's 3' end. VCF-style (leftmost placement, unchanged base first): chr2-178614493-TGGCCC-T. GRCh37 (hg19) VCF-style: chr2-179479220-TGGCCC-T.
Other names: c.44093_44097del, p.Arg14698fs (NM_001256850.1); c.21821_21825del, p.Arg7274fs (NM_003319.4); c.41312_41316del, p.Arg13771fs (NM_133378.4); c.22196_22200del, p.Arg7399fs (NM_133432.3); c.22397_22401del, p.Arg7466fs (NM_133437.4); short protein forms R7399fs, R7466fs, R13771fs, R14698fs, R16339fs, R7274fs.
Identifiers: ClinVar variation 3772489 (VCV003772489.13).